The following is an entry in ClinVar:

ClinVar aggregate classification (germline): Uncertain significance (1 of 4 stars; one submission).

Conditions:
Malignant hyperthermia, susceptibility to, 1 (MHS1). Also called: RYR1-Related Malignant Hyperthermia Susceptibility; Malignant hyperthermia suceptibility 1; Anesthesia related hyperthermia; Malignant hyperpyrexia; Fulminating hyperpyrexia; Pharmacogenic myopathy. Identifiers: Orphanet 423, MedGen C2930980, MONDO:0007783, OMIM 145600.

gnomAD v4.1: 1 of 1,613,202 alleles (0.000062%); highest among the groups gnomAD compares: East Asian, 0.0022%; no homozygotes.

Submission:

Color Diagnostics, LLC DBA Color Health
Classification: Uncertain significance for Malignant hyperthermia, susceptibility to, 1. Last evaluated: 2025-09-01. Review status: criteria provided, single submitter. Criteria: ACMG Guidelines, 2015. Collection method: clinical testing. Allele origin: germline.
Comment: This missense variant replaces threonine with serine at codon 927 of the RYR1 protein. Computational prediction suggests that this variant may have deleterious impact on protein structure and function. To our knowledge, functional studies have not been reported for this variant. This variant has not been reported in individuals affected with RYR1-related disorders in the literature. This variant has been identified in 1/251224 chromosomes in the general population by the Genome Aggregation Database (gnomAD). The available evidence is insufficient to determine the role of this variant in disease conclusively. Therefore, this variant is classified as a Variant of Uncertain Significance.

NM_000540.3(RYR1):c.2779A>T (p.Thr927Ser)

Gene: RYR1 (ryanodine receptor 1; plus strand). Cytogenetic location: 19q13.2.
Variant type: single nucleotide variant.
Coding change: c.2779A>T on transcript NM_000540.3 (MANE Select); coding-DNA position 2779, A replaced by T.
Protein change: p.Thr927Ser; replaces threonine 927 with serine.
Molecular consequence: missense variant.
Genome position (GRCh38, 1-based): chr19:38,463,843, A>T. VCF-style: chr19-38463843-A-T. GRCh37 (hg19) VCF-style: chr19-38954483-A-T.
Other names: c.2779A>T, p.Thr927Ser (NM_001042723.2); short protein forms T927S.
Identifiers: ClinVar variation 4756298 (VCV004756298.1).